The following is an entry in ClinVar:

NM_152701.5(ABCA13):c.7937A>C (p.Lys2646Thr)

Gene: ABCA13 (ATP binding cassette subfamily A member 13; plus strand). Cytogenetic location: 7p12.3.
Variant type: single nucleotide variant.
Coding change: c.7937A>C on transcript NM_152701.5 (MANE Select); coding-DNA position 7937, A replaced by C.
Protein change: p.Lys2646Thr; replaces lysine 2646 with threonine.
Molecular consequence: missense variant.
Genome position (GRCh38, 1-based): chr7:48,279,131, A>C. VCF-style: chr7-48279131-A-C. GRCh37 (hg19) VCF-style: chr7-48318728-A-C.
Other names: short protein forms K2646T.
Identifiers: ClinVar variation 2635668 (VCV002635668.1), dbSNP rs1409702355, ClinGen allele CA367515455.

ClinVar aggregate classification (germline): Uncertain significance (1 of 4 stars; one submission).

Conditions:
ABCA13-related disorder. Also called: ABCA13-related condition.

Allele frequency attached by ClinVar (database versions not stated): gnomAD exomes below 0.00001; TOPMed below 0.00001; gnomAD 0.00001.
gnomAD v4.1: 2 of 1,608,958 alleles (0.00012%); highest among the groups gnomAD compares: Non-Finnish European, 0.00017%; no homozygotes.

Submission:

PreventionGenetics, part of Exact Sciences
Classification: Uncertain significance for ABCA13-related condition. Last evaluated: 2023-04-08. Review status: criteria provided, single submitter. Criteria: ACMG Guidelines, 2015. Collection method: clinical testing. Allele origin: germline.
Comment: The ABCA13 c.7937A>C variant is predicted to result in the amino acid substitution p.Lys2646Thr. To our knowledge, this variant has not been reported in the literature or in a large population database, indicating this variant is rare. At this time, the clinical significance of this variant is uncertain due to the absence of conclusive functional and genetic evidence.